The following is an entry in ClinVar:

NM_024675.4(PALB2):c.2490G>C (p.Glu830Asp)

Gene: PALB2 (partner and localizer of BRCA2; minus strand). Cytogenetic location: 16p12.2.
Variant type: single nucleotide variant.
Coding change: c.2490G>C on transcript NM_024675.4 (MANE Select); coding-DNA position 2490, G replaced by C.
Protein change: p.Glu830Asp; replaces glutamic acid 830 with aspartic acid.
Molecular consequence: missense variant. On other transcripts: intron variant (1).
Genome position (GRCh38, 1-based): chr16:23,629,664, C>G on the plus strand (G>C on the coding strand, the complement: PALB2 is on the minus strand). VCF-style: chr16-23629664-C-G. GRCh37 (hg19) VCF-style: chr16-23640985-C-G.
Other names: c.702G>C, p.Glu234Asp (NM_001407313.1, NM_001407312.1); c.49-389G>C (NM_001407314.1); c.2430G>C, p.Glu810Asp (NM_001407296.1); c.2490G>C, p.Glu830Asp (NM_001407297.1, NM_001407298.1, NM_001407299.1 and 3 more transcripts); c.1605G>C, p.Glu535Asp (NM_001407304.1, NM_001407305.1, NM_001407306.1 and 5 more transcripts); short protein forms E234D, E535D, E810D, E830D.
Identifiers: ClinVar variation 4861477 (VCV004861477.1).

ClinVar aggregate classification (germline): Uncertain significance (1 of 4 stars; one submission).

Conditions:
Hereditary cancer-predisposing syndrome. Also called: Neoplastic Syndromes, Hereditary; Tumor predisposition; Hereditary Cancer Syndrome; Hereditary neoplastic syndrome. Identifiers: Orphanet 140162, MedGen C0027672, MeSH D009386, MONDO:0015356.

Submission:

Ambry Genetics
Classification: Uncertain significance for Hereditary cancer-predisposing syndrome. Last evaluated: 2026-03-26. Review status: criteria provided, single submitter. Criteria: Ambry Variant Classification Scheme 2023. Collection method: clinical testing. Allele origin: germline.
Comment: The p.E830D variant (also known as c.2490G>C), located in coding exon 5 of the PALB2 gene, results from a G to C substitution at nucleotide position 2490. The glutamic acid at codon 830 is replaced by aspartic acid, an amino acid with highly similar properties. This amino acid position is conserved. In addition, this alteration is predicted to be tolerated by in silico analysis. Based on the available evidence, the clinical significance of this variant remains unclear.